The following is an entry in ClinVar:

ClinVar aggregate classification (germline): Pathogenic. Review status: criteria provided, multiple submitters, no conflicts (2 of 4 stars). 15 submissions from 15 submitters: Pathogenic (14). 1 of the submissions does not count toward it. Last evaluated 2026-05-01.

Conditions:
Amyloidosis, hereditary systemic 1 (AMYLD1). Also called: Transthyretin Amyloidosis; Hereditary oculoleptomeningeal amyloid angiopathy; Familial Transthyretin Amyloidosis; AMYLOID CARDIOMYOPATHY; Isolated Cardiac Amyloidosis; Amyloid Cardiomyopathy, Transthyretin-related. Identifiers: Orphanet 85447, Orphanet 85451, MedGen C2751492, MONDO:0971004, OMIM 105210.
Carpal tunnel syndrome 1 (CTS1). Also called: Carpal tunnel syndrome, familial. Identifiers: MedGen C5779776, MONDO:0020730, OMIM 115430.
Hyperthyroxinemia, dystransthyretinemic. Also called: HYPERTHYROXINEMIA, DYSPREALBUMINEMIC; EUTHRYROIDAL HYPERTHYROXINEMIA 2. Identifiers: MedGen C2750824, MONDO:0007785, OMIM 145680.
TTR-related disorder. Also called: TTR-related disorders; TTR-related condition.
Cardiovascular phenotype. Identifiers: MedGen CN230736.
Hereditary amyloidosis. Identifiers: Orphanet 444116, MedGen C0740340, MeSH D028226, MONDO:0018634.

Submissions 1 to 10 of 15:

CeGaT Center for Human Genetics Tuebingen
Classification: Pathogenic. Last evaluated: 2026-05-01. Review status: criteria provided, single submitter. Criteria: CeGaT Center For Human Genetics Tuebingen Variant Classification Criteria Version 2. Collection method: clinical testing. Allele origin: germline. Affected: yes. Observed: 10 variant alleles.
Comment: TTR: PS4, PM1, PM2, PM5, PS3:Supporting

Labcorp Genetics (formerly Invitae), Labcorp
Classification: Pathogenic for Amyloidosis, hereditary systemic 1. Last evaluated: 2025-10-23. Review status: criteria provided, single submitter. Criteria: Invitae Variant Classification Sherloc (09022015). Collection method: clinical testing. Allele origin: germline.
Comment: This sequence change replaces isoleucine, which is neutral and non-polar, with valine, which is neutral and non-polar, at codon 127 of the TTR protein (p.Ile127Val). This variant is not present in population databases (gnomAD no frequency). This missense change has been observed in individuals with amyloidosis (PMID: 7914929, 8081397, 9748014, 20209591, 24101130, 26537620, 27025994, 27066555). This variant is also known as p.Ile107Val. ClinVar contains an entry for this variant (Variation ID: 13450). Invitae Evidence Modeling of protein sequence and biophysical properties (such as structural, functional, and spatial information, amino acid conservation, physicochemical variation, residue mobility, and thermodynamic stability) indicates that this missense variant is expected to disrupt TTR protein function with a positive predictive value of 95%. Experimental studies have shown that this missense change affects TTR function (PMID: 17503405). This variant disrupts the p.Ile127 amino acid residue in TTR. Other variant(s) that disrupt this residue have been observed in individuals with TTR-related conditions (PMID: 22745357, 24480837), which suggests that this may be a clinically significant amino acid residue. For these reasons, this variant has been classified as Pathogenic.

Ambry Genetics
Classification: Pathogenic for Cardiovascular phenotype. Last evaluated: 2025-03-28. Review status: criteria provided, single submitter. Criteria: Ambry Variant Classification Scheme 2023. Collection method: clinical testing. Allele origin: germline.
Comment: The p.I127V pathogenic mutation (also known as c.379A>G), located in coding exon 4 of the TTR gene, results from an A to G substitution at nucleotide position 379. The isoleucine at codon 127 is replaced by valine, an amino acid with highly similar properties. This variant has been detected in multiple individuals with TTR-related amyloidosis (Jacobson DR et al. Hum. Mutat., 1994;3:399-401; Plant&eacute;-Bordeneuve V et al. Neurology, 1998 Sep;51:708-14; Damy T et al. Eur. Heart J., 2016 06;37:1826-34; Kuzume D et al. Rinsho Shinkeigaku, 2016 04;56:277-80). Functional studies indicate that this variant results in unstable interaction between transthyretin tetramers (Altland K et al. Electrophoresis, 2007 Jun;28:2053-64). Two different alterations located at the same amino acid position, p.I127F (c.379A>T, historically known as p.I107F) and p.I127M (c.381T>G, historically known as p.I107M), have also been detected in individuals with TTR-related amyloidosis (Cappellari M et al. J. Peripher. Nerv. Syst., 2011 Jun;16:119-29; Lv W et al. Eye (Lond), 2014 Apr;28:452-8). This variant is considered to be rare based on population cohorts in the Genome Aggregation Database (gnomAD). In addition, this alteration is predicted to be deleterious by in silico analysis. Based on the supporting evidence, this alteration is interpreted as a disease-causing mutation.

Blueprint Genetics
Classification: Pathogenic for TTR-related disorders. Last evaluated: 2024-10-29. Review status: criteria provided, single submitter. Criteria: ACMG Guidelines, 2015. Collection method: clinical testing. Allele origin: germline. Affected: yes. Observed: 1 variant allele.

Athena Diagnostics
Classification: Pathogenic. Last evaluated: 2024-06-27. Review status: criteria provided, single submitter. Criteria: Athena Diagnostics Criteria. Collection method: clinical testing. Allele origin: unknown.
Comment: This variant has not been reported in large, multi-ethnic general populations (Genome Aggregation Database (gnomAD), Cambridge, MA (URL)). This variant has been identified in multiple unrelated individuals with clinical features associated with this gene. In some published literature, this variant is referred to as p.Ile107Val.

ARUP Laboratories, Molecular Genetics and Genomics, ARUP Laboratories
Classification: Pathogenic. Last evaluated: 2024-03-21. Review status: criteria provided, single submitter. Criteria: ARUP Molecular Germline Variant Investigation Process 2024. Collection method: clinical testing. Allele origin: germline.
Comment: The TTR c.379A>G, p.Ile127Val variant (rs121918089, ClinVar ID: 13450), also known as Ile107Val, is reported in several individuals with amyloidosis and polyneuropathy (Damy 2016, Dohrn 2013, Barreiros 2010, Jacobsen 1994, Pozsonyi 2021, Skrahina 2021, Suhr 2016, Uemich 1994). This variant is absent from the Genome Aggregation Database (v2.1.1), indicating it is not a common polymorphism. Functional characterization of the variant protein indicates a slight decrease in monomer stability, but significant decreases in the stability of TTR dimers and tetramers (Altland 2007). Additionally, other amino acid substitutions at this codon (c.381T>G, p.Ile127Met; c.379A>T, p.Ile127Phe) have been reported to be associated with amyloidosis and polyneuropathy (Benson 2007, Connors 2003). Based on available information, this variant is considered to be pathogenic. References: Altland K et al. Genetic microheterogeneity of human transthyretin detected by IEF. Electrophoresis. 2007 Jun;28(12):2053-64. PMID: 17503405. Barreiros AP et al. Liver transplantation and combined liver-heart transplantation in patients with familial amyloid polyneuropathy: a single-center experience. Liver Transpl. 2010 Mar;16(3):314-23. PMID: 20209591. Benson MD et al. The molecular biology and clinical features of amyloid neuropathy. Muscle Nerve. 2007 Oct;36(4):411-23. PMID: 17554795. Connors LH et al. Tabulation of human transthyretin (TTR) variants, 2003. Amyloid. 2003 Sep;10(3):160-84. PMID: 14640030. Jacobson DR et al. Transthyretin VAL107, a new variant associated with familial cardiac and neuropathic amyloidosis. Hum Mutat. 1994;3(4):399-401. PMID: 8081397. Damy T et al. Prevalence and clinical phenotype of hereditary transthyretin amyloid cardiomyopathy in patients with increased left ventricular wall thickness. Eur Heart J. 2016 Jun 14;37(23):1826-34. PMID: 26537620. Dohrn MF et al. Diagnostic hallmarks and pitfalls in late-onset progressive transthyretin-related amyloid-neuropathy. J Neurol. 2013 Dec;260(12):3093-108. PMID: 24101130. Pozsonyi Z et al. Variant Transthyretin Amyloidosis (ATTRv) in Hungary: First Data on Epidemiology and Clinical Features. Genes (Basel). 2021 Jul 28;12(8):1152. PMID: 34440326. Skrahina V et al. Hereditary transthyretin-related amyloidosis is frequent in polyneuropathy and cardiomyopathy of no obvious aetiology. Ann Med. 2021 Dec;53(1):1787-1796. PMID: 34658264. Suhr OB et al. Survival After Transplantation in Patients With Mutations Other Than Val30Met: Extracts From the FAP World Transplant Registry. Transplantation. 2016 Feb;100(2):373-81. PMID: 26656838. Uemichi T et al. Amyloid polyneuropathy in two German-American families: a new transthyretin variant (Val 107). J Med Genet. 1994 May;31(5):416-7. PMID: 7914929.

Mayo Clinic Laboratories, Mayo Clinic
Classification: Pathogenic. Last evaluated: 2024-02-15. Review status: criteria provided, single submitter. Criteria: ACMG Guidelines, 2015. Collection method: clinical testing. Allele origin: germline. Observed: 3 variant alleles.

Fulgent Genetics
Classification: Pathogenic for Amyloidosis, hereditary systemic 1; Carpal tunnel syndrome 1; Hyperthyroxinemia, dystransthyretinemic. Last evaluated: 2024-01-13. Review status: criteria provided, single submitter. Criteria: ACMG Guidelines, 2015. Collection method: clinical testing. Allele origin: germline.

GeneDx
Classification: Pathogenic. Last evaluated: 2022-10-26. Review status: criteria provided, single submitter. Criteria: GeneDx Variant Classification Process June 2021. Collection method: clinical testing. Allele origin: germline. Affected: yes.
Comment: Published functional studies demonstrate that TTR dimers from individuals heterozygous for TTRI127V are less stable than dimers from wild type individuals (Atland K et al., 2007); Not observed at significant frequency in large population cohorts (gnomAD); In silico analysis supports that this missense variant does not alter protein structure/function; Also known as I107V; This variant is associated with the following publications: (PMID: 22301727, 8081397, 30306720, 20209591, 22745357, 19781421, 12039669, 7914929, 24101130, 32723050, 33481097, 33188503, 33844361, 34668655, 34602081, 34746851, 33283548, 34391735, 35665045, 35599006, 35417510, 35346209, 35331287, ScirpaR2022, 17443043, 9748014, 27025994, 27066555, 34658264, 26537620, 29520877, 26656838, 34440326, 35637921, 35580748, 17503405)

Laboratorio de Genetica e Diagnostico Molecular, Hospital Israelita Albert Einstein
Classification: Pathogenic for Hereditary amyloidosis. Last evaluated: 2022-02-22. Review status: criteria provided, single submitter. Criteria: ACMG Guidelines, 2015. Collection method: clinical testing. Allele origin: germline.
Comment: ACMG classification criteria: PS3 strong, PS4 strong, PM2 moderated

NM_000371.4(TTR):c.379A>G (p.Ile127Val)

Gene: TTR (transthyretin; plus strand). Cytogenetic location: 18q12.1.
Variant type: single nucleotide variant.
Coding change: c.379A>G on transcript NM_000371.4 (MANE Select); coding-DNA position 379, A replaced by G.
Protein change: p.Ile127Val; replaces isoleucine 127 with valine.
Molecular consequence: missense variant.
Genome position (GRCh38, 1-based): chr18:31,598,610, A>G. VCF-style: chr18-31598610-A-G. GRCh37 (hg19) VCF-style: chr18-29178573-A-G.
Other names: I107V; rs121918089; short protein forms I127V.
Identifiers: ClinVar variation 13450 (VCV000013450.67), dbSNP rs121918089, ClinGen allele CA256843.